The following is an entry in ClinVar:

NM_016507.4(CDK12):c.1956A>C (p.Lys652Asn)

Gene: CDK12 (cyclin dependent kinase 12; plus strand). Cytogenetic location: 17q12.
Variant type: single nucleotide variant.
Coding change: c.1956A>C on transcript NM_016507.4 (MANE Select); coding-DNA position 1956, A replaced by C.
Protein change: p.Lys652Asn; replaces lysine 652 with asparagine.
Molecular consequence: missense variant.
Genome position (GRCh38, 1-based): chr17:39,490,581, A>C. VCF-style: chr17-39490581-A-C. GRCh37 (hg19) VCF-style: chr17-37646834-A-C.
Other names: c.1956A>C, p.Lys652Asn (NM_015083.4); short protein forms K652N.
Identifiers: ClinVar variation 4224333 (VCV004224333.1).
Genomic context (GRCh38, chr17:39,490,581, plus strand): 5'-TTGTAATTTTGTCATCTCTTCTCATTTATTGTTTAGTCCAAAAGAAACTCTTCCTTCAAA[A>C]CCTGTGAAGAAAGAGAAGGAACAGAGGACACGTCACTTACTCACAGACCTTCCTCTCCCT-3'
Protein context (NP_057591.2, residues 642-662): MDSPKETLPS[Lys652Asn]PVKKEKEQRT

ClinVar aggregate classification (germline): Uncertain significance (1 of 4 stars; one submission).

gnomAD v4.1: 1 of 1,611,664 alleles (0.000062%); highest among the groups gnomAD compares: Non-Finnish European, 0.000085%; no homozygotes.

Submission:

Ambry Genetics
Classification: Uncertain significance. Last evaluated: 2025-08-02. Review status: criteria provided, single submitter. Criteria: Ambry Variant Classification Scheme 2023. Collection method: clinical testing. Allele origin: germline.
Comment: The p.K652N variant (also known as c.1956A>C), located in coding exon 3 of the CDK12 gene, results from an A to C substitution at nucleotide position 1956. The lysine at codon 652 is replaced by asparagine, an amino acid with similar properties. This amino acid position is conserved. In addition, this alteration is predicted to be tolerated by in silico analysis. Based on the available evidence, the clinical significance of this variant remains unclear.